The following is an entry in ClinVar:

NM_002334.4(LRP4):c.2551A>G (p.Thr851Ala)

Gene: LRP4 (LDL receptor related protein 4; minus strand). Cytogenetic location: 11p11.2.
Variant type: single nucleotide variant.
Coding change: c.2551A>G on transcript NM_002334.4 (MANE Select); coding-DNA position 2551, A replaced by G.
Protein change: p.Thr851Ala; replaces threonine 851 with alanine.
Molecular consequence: missense variant.
Genome position (GRCh38, 1-based): chr11:46,883,932, T>C on the plus strand (A>G on the coding strand, the complement: LRP4 is on the minus strand). VCF-style: chr11-46883932-T-C. GRCh37 (hg19) VCF-style: chr11-46905483-T-C.
Other names: short protein forms T851A.
Identifiers: ClinVar variation 1395002 (VCV001395002.6), dbSNP rs2134821502, ClinGen allele CA380279481.

ClinVar aggregate classification (germline): Uncertain significance (1 of 4 stars; one submission).

Conditions:
Sclerosteosis 2 (SOST2). Identifiers: Orphanet 3152, MedGen C3280402, MONDO:0013679, OMIM 614305.
Cenani-Lenz syndactyly syndrome. Also called: CENANI SYNDACTYLISM; SYNDACTYLY, TYPE VII. Identifiers: Orphanet 3258, MedGen C1859309, MONDO:0008931, OMIM 212780.
Congenital myasthenic syndrome 17. Identifiers: Orphanet 590, MedGen C4225377, MONDO:0014578, OMIM 616304.

Submission:

Labcorp Genetics (formerly Invitae), Labcorp
Classification: Uncertain significance for Cenani-Lenz syndactyly syndrome; Sclerosteosis 2; Congenital myasthenic syndrome 17. Last evaluated: 2021-11-25. Review status: criteria provided, single submitter. Criteria: Invitae Variant Classification Sherloc (09022015). Collection method: clinical testing. Allele origin: germline.
Comment: This sequence change replaces threonine, which is neutral and polar, with alanine, which is neutral and non-polar, at codon 851 of the LRP4 protein (p.Thr851Ala). This variant is not present in population databases (gnomAD no frequency). In summary, the available evidence is currently insufficient to determine the role of this variant in disease. Therefore, it has been classified as a Variant of Uncertain Significance. Algorithms developed to predict the effect of missense changes on protein structure and function are either unavailable or do not agree on the potential impact of this missense change (SIFT: "Deleterious"; PolyPhen-2: "Benign"; Align-GVGD: "Class C0"). This variant has not been reported in the literature in individuals affected with LRP4-related conditions.